The following is an entry in ClinVar:

ClinVar aggregate classification (germline): Uncertain significance (1 of 4 stars; one submission).

Conditions:
Growth delay due to insulin-like growth factor I resistance. Also called: Somatomedin end-organ insensitivity to; Somatomedin-c resistance to; IGF-1 resistance; IGF-I RESISTANCE; Insulin-Like Growth Factor I Resistance. Identifiers: Orphanet 73273, MedGen C1849157, MONDO:0010038, OMIM 270450.

gnomAD v4.1: 2 of 1,614,062 alleles (0.00012%); highest among the groups gnomAD compares: African/African-American, 0.0027%; no homozygotes.

Submission:

Laboratorio de Genetica e Diagnostico Molecular, Hospital Israelita Albert Einstein
Classification: Uncertain significance for Growth delay due to insulin-like growth factor I resistance. Last evaluated: 2024-01-31. Review status: criteria provided, single submitter. Criteria: ACMG Guidelines, 2015. Collection method: clinical testing. Allele origin: germline. Affected: yes.
Comment: ACMG classification criteria: PP2 supporting, PP3 supporting

NM_000875.5(IGF1R):c.2719G>T (p.Ala907Ser)

Gene: IGF1R (insulin like growth factor 1 receptor; plus strand). Cytogenetic location: 15q26.3.
Variant type: single nucleotide variant.
Coding change: c.2719G>T on transcript NM_000875.5 (MANE Select); coding-DNA position 2719, G replaced by T.
Protein change: p.Ala907Ser; replaces alanine 907 with serine.
Molecular consequence: missense variant.
Genome position (GRCh38, 1-based): chr15:98,924,621, G>T. VCF-style: chr15-98924621-G-T. GRCh37 (hg19) VCF-style: chr15-99467850-G-T.
Other names: c.2719G>T, p.Ala907Ser (NM_001291858.2); short protein forms A907S.
Identifiers: ClinVar variation 4056788 (VCV004056788.1).